The following is an entry in ClinVar:

ClinVar aggregate classification (germline): Benign. Review status: criteria provided, multiple submitters, no conflicts (2 of 4 stars). 2 submissions from 2 submitters: Benign (2). Last evaluated 2013-02-21.

Allele frequency attached by ClinVar (database versions not stated): gnomAD 0.02604 and 0.02518; 1000 Genomes Project 30x 0.01437; ESP Exome Variant Server 0.02355; 1000 Genomes Project 0.01478; TOPMed 0.01985; gnomAD exomes 0.02557; ExAC 0.04313.
gnomAD v4.1: 19,963 of 734,482 alleles (2.7%); highest among the groups gnomAD compares: Non-Finnish European, 3.1%; 412 homozygotes.

Submissions (2):

Laboratory for Molecular Medicine, Mass General Brigham Personalized Medicine
Classification: Benign. Last evaluated: 2013-02-21. Review status: criteria provided, single submitter. Criteria: LMM Criteria. Collection method: clinical testing. Allele origin: germline. Observed: 7 variant alleles.
Comment: Pro5370Pro in exon 38 of MUC5B: This variant is not expected to have clinical si gnificance because it does not alter an amino acid residue and is not located wi thin the splice consensus sequence. It has been identified in 2.8% (234/8374) of European American chromosomes from a broad population by the NHLBI Exome Sequen cing Project (dbSNP rs55845452).

Breakthrough Genomics
Classification: Benign. Review status: criteria provided, single submitter. Criteria: ACMG Guidelines, 2015. Collection method: not provided. Allele origin: germline. Inheritance: Autosomal dominant inheritance. Affected: yes.

NM_002458.3(MUC5B):c.16110C>A (p.Pro5370=)

Gene: MUC5B (mucin 5B, oligomeric mucus/gel-forming; plus strand). Cytogenetic location: 11p15.5.
Variant type: single nucleotide variant.
Coding change: c.16110C>A on transcript NM_002458.3 (MANE Select); coding-DNA position 16110, C replaced by A.
Protein change: p.Pro5370=; no amino-acid change (proline 5370 retained).
Molecular consequence: synonymous variant.
Genome position (GRCh38, 1-based): chr11:1,256,199, C>A. VCF-style: chr11-1256199-C-A. GRCh37 (hg19) VCF-style: chr11-1277429-C-A.
Identifiers: ClinVar variation 178797 (VCV000178797.5), dbSNP rs55845452, ClinGen allele CA183055.
Genomic context (GRCh38, chr11:1,256,199, plus strand): 5'-CCTCTCTGTGCCCACAGACCTCACCTGCCCACCCACCAAAGTGTACAAGCCATGCGGCCC[C>A]ATACAGCCTGCCACCTGCAACTCTAGGTAAGTACAGGGATGGCTGGTGCCTTCCCTGCCA-3'
Protein context (NP_002449.2, residues 5360-5380): PPTKVYKPCG[Pro5370=]IQPATCNSRN